The following is an entry in ClinVar:

ClinVar aggregate classification (germline): Uncertain significance (1 of 4 stars; one submission).

Conditions:
Hereditary cancer-predisposing syndrome. Also called: Tumor predisposition; Neoplastic Syndromes, Hereditary; Hereditary neoplastic syndrome; Hereditary Cancer Syndrome. Identifiers: Orphanet 140162, MedGen C0027672, MeSH D009386, MONDO:0015356.

Submission:

Color Diagnostics, LLC DBA Color Health
Classification: Uncertain significance for Hereditary cancer-predisposing syndrome. Last evaluated: 2023-12-05. Review status: criteria provided, single submitter. Criteria: ACMG Guidelines, 2015. Collection method: clinical testing. Allele origin: germline.
Comment: This missense variant replaces glutamic acid with glycine at codon 330 of the MUTYH protein. Computational prediction suggests that this variant may not impact protein structure and function (internally defined REVEL score threshold <= 0.5, PMID: 27666373). To our knowledge, functional studies have not been reported for this variant. This variant has not been reported in individuals affected with MUTYH-related disorders in the literature. This variant has not been identified in the general population by the Genome Aggregation Database (gnomAD). The available evidence is insufficient to determine the role of this variant in disease conclusively. Therefore, this variant is classified as a Variant of Uncertain Significance.

NM_001048174.2(MUTYH):c.905A>G (p.Glu302Gly)

Gene: MUTYH (mutY DNA glycosylase; minus strand). Cytogenetic location: 1p34.1.
Variant type: single nucleotide variant.
Coding change: c.905A>G on transcript NM_001048174.2 (MANE Select); coding-DNA position 905, A replaced by G.
Protein change: p.Glu302Gly; replaces glutamic acid 302 with glycine.
Molecular consequence: missense variant. On other transcripts: non-coding transcript variant (2).
Genome position (GRCh38, 1-based): chr1:45,332,031, T>C on the plus strand (A>G on the coding strand, the complement: MUTYH is on the minus strand). VCF-style: chr1-45332031-T-C. GRCh37 (hg19) VCF-style: chr1-45797703-T-C.
Other names: c.905A>G, p.Glu302Gly (NM_001048171.2, NM_001048173.2, NM_001293195.2); c.908A>G, p.Glu303Gly (NM_001048172.2); c.989A>G, p.Glu330Gly (NM_001128425.2); c.950A>G, p.Glu317Gly (NM_001293190.2); c.938A>G, p.Glu313Gly (NM_001293191.2); c.629A>G, p.Glu210Gly (NM_001293192.2, NM_001293196.2); c.560A>G, p.Glu187Gly (NM_001350650.2, NM_001350651.2); c.980A>G, p.Glu327Gly (NM_012222.3); short protein forms E330G, E302G, E187G, E313G, E317G, E210G, E303G, E327G.
Identifiers: ClinVar variation 631397 (VCV000631397.5), dbSNP rs1557467923, ClinGen allele CA340134028.